The following is an entry in ClinVar:

NM_178012.5(TUBB2B):c.823A>G (p.Ser275Gly)

Gene: TUBB2B (tubulin beta 2B class IIb; minus strand). Cytogenetic location: 6p25.2.
Variant type: single nucleotide variant.
Coding change: c.823A>G on transcript NM_178012.5 (MANE Select); coding-DNA position 823, A replaced by G.
Protein change: p.Ser275Gly; replaces serine 275 with glycine.
Molecular consequence: missense variant.
Genome position (GRCh38, 1-based): chr6:3,225,266, T>C on the plus strand (A>G on the coding strand, the complement: TUBB2B is on the minus strand). VCF-style: chr6-3225266-T-C. GRCh37 (hg19) VCF-style: chr6-3225500-T-C.
Other names: short protein forms S275G.
Identifiers: ClinVar variation 3730964 (VCV003730964.1).

ClinVar aggregate classification (germline): Likely pathogenic (1 of 4 stars; one submission).

Submission:

GeneDx
Classification: Likely pathogenic. Last evaluated: 2024-08-12. Review status: criteria provided, single submitter. Criteria: GeneDx Variant Classification Process June 2021. Collection method: clinical testing. Allele origin: germline. Affected: yes.
Comment: Not observed at significant frequency in large population cohorts (gnomAD); Missense variants in this gene are a common cause of disease and they are underrepresented in the general population; In silico analysis supports that this missense variant has a deleterious effect on protein structure/function; Has not been previously published as pathogenic or benign to our knowledge